The following is an entry in ClinVar:

ClinVar aggregate classification (germline): Uncertain significance (1 of 4 stars; one submission).

Allele frequency attached by ClinVar (database versions not stated): gnomAD 0.00002; gnomAD exomes 0.00002; TOPMed 0.00002.
gnomAD v4.1: 24 of 1,577,578 alleles (0.0015%); highest among the groups gnomAD compares: Non-Finnish European, 0.0021%; no homozygotes.

Submission:

Labcorp Genetics (formerly Invitae), Labcorp
Classification: Uncertain significance. Last evaluated: 2025-10-26. Review status: criteria provided, single submitter. Criteria: Invitae Variant Classification Sherloc (09022015). Collection method: clinical testing. Allele origin: germline.
Comment: This sequence change replaces histidine, which is basic and polar, with leucine, which is neutral and non-polar, at codon 393 of the ANGPT1 protein (p.His393Leu). This variant is present in population databases (no rsID available, gnomAD 0.0009%). This variant has not been reported in the literature in individuals affected with ANGPT1-related conditions. ClinVar contains an entry for this variant (Variation ID: 2176950). An algorithm developed to predict the effect of missense changes on protein structure and function (PolyPhen-2) suggests that this variant is likely to be tolerated. In summary, the available evidence is currently insufficient to determine the role of this variant in disease. Therefore, it has been classified as a Variant of Uncertain Significance.

NM_001146.5(ANGPT1):c.1178A>T (p.His393Leu)

Gene: ANGPT1 (angiopoietin 1; minus strand). Cytogenetic location: 8q23.1.
Variant type: single nucleotide variant.
Coding change: c.1178A>T on transcript NM_001146.5 (MANE Select); coding-DNA position 1178, A replaced by T.
Protein change: p.His393Leu; replaces histidine 393 with leucine.
Molecular consequence: missense variant.
Genome position (GRCh38, 1-based): chr8:107,284,709, T>A on the plus strand (A>T on the coding strand, the complement: ANGPT1 is on the minus strand). VCF-style: chr8-107284709-T-A. GRCh37 (hg19) VCF-style: chr8-108296937-T-A.
Other names: c.1175A>T, p.His392Leu (NM_001199859.3); c.578A>T, p.His193Leu (NM_001314051.2); short protein forms H392L, H193L, H393L.
Identifiers: ClinVar variation 2176950 (VCV002176950.4), dbSNP rs1012818729, ClinGen allele CA183449799.